The following is an entry in ClinVar:

ClinVar aggregate classification (germline): Uncertain significance (1 of 4 stars; one submission).

Conditions:
Gastrointestinal stromal tumor. Also called: Gastrointestinal stroma tumor; Gastrointestinal stromal tumor, somatic. Identifiers: Orphanet 44890, MedGen C0238198, MeSH D046152, MONDO:0011719, OMIM 606764, HP:0100723.

Submission:

Labcorp Genetics (formerly Invitae), Labcorp
Classification: Uncertain significance for Gastrointestinal stromal tumor. Last evaluated: 2021-12-23. Review status: criteria provided, single submitter. Criteria: Invitae Variant Classification Sherloc (09022015). Collection method: clinical testing. Allele origin: germline.
Comment: In summary, the available evidence is currently insufficient to determine the role of this variant in disease. Therefore, it has been classified as a Variant of Uncertain Significance. This variant has not been reported in the literature in individuals affected with PDGFRA-related conditions. This variant is not present in population databases (gnomAD no frequency). This sequence change creates a premature translational stop signal (p.Lys666Serfs*29) in the PDGFRA gene. It is expected to result in an absent or disrupted protein product. However, the current clinical and genetic evidence is not sufficient to establish whether loss-of-function variants in PDGFRA cause disease.

NM_006206.6(PDGFRA):c.1995del (p.Lys666fs)

Gene: PDGFRA (platelet derived growth factor receptor alpha; plus strand). Cytogenetic location: 4q12.
Variant type: Deletion.
Coding change: c.1995del on transcript NM_006206.6 (MANE Select); coding-DNA position 1995, one base deleted (C; older notation c.1995delC).
Protein change: p.Lys666fs; shifts the reading frame from lysine 666.
Molecular consequence: frameshift variant.
Genome position (GRCh38, 1-based): chr4:54,277,999, C deleted; the last of 2 consecutive C bases (chr4:54,277,998-54,277,999); deleting either gives the same sequence. VCF-style (leftmost placement, unchanged base first): chr4-54277997-AC-A. GRCh37 (hg19) VCF-style: chr4-55144164-AC-A.
Other names: c.1995del, p.Lys666fs (NM_001347829.2, NM_001347827.2); c.2034del, p.Lys679fs (NM_001347830.2); c.2070del, p.Lys691fs (NM_001347828.2); short protein forms K666fs, K679fs, K691fs.
Identifiers: ClinVar variation 2054814 (VCV002054814.4), dbSNP rs2475512146, ClinGen allele CA2580071227.